The following is an entry in ClinVar:

ClinVar aggregate classification (germline): Uncertain significance (1 of 4 stars; one submission).

Conditions:
Hereditary cancer-predisposing syndrome. Also called: Neoplastic Syndromes, Hereditary; Tumor predisposition; Hereditary Cancer Syndrome; Hereditary neoplastic syndrome. Identifiers: Orphanet 140162, MedGen C0027672, MeSH D009386, MONDO:0015356.

Submission:

Ambry Genetics
Classification: Uncertain significance for Hereditary cancer-predisposing syndrome. Last evaluated: 2022-05-06. Review status: criteria provided, single submitter. Criteria: Ambry Variant Classification Scheme 2023. Collection method: clinical testing. Allele origin: germline.
Comment: The p.N212I variant (also known as c.635A>T), located in coding exon 1 of the AXIN2 gene, results from an A to T substitution at nucleotide position 635. The asparagine at codon 212 is replaced by isoleucine, an amino acid with dissimilar properties. This amino acid position is not well conserved in available vertebrate species. In addition, this alteration is predicted to be tolerated by in silico analysis. Since supporting evidence is limited at this time, the clinical significance of this alteration remains unclear.

NM_004655.4(AXIN2):c.635A>T (p.Asn212Ile)

Gene: AXIN2 (axin 2; minus strand). Cytogenetic location: 17q24.1.
Variant type: single nucleotide variant.
Coding change: c.635A>T on transcript NM_004655.4 (MANE Select); coding-DNA position 635, A replaced by T.
Protein change: p.Asn212Ile; replaces asparagine 212 with isoleucine.
Molecular consequence: missense variant.
Genome position (GRCh38, 1-based): chr17:65,557,986, T>A on the plus strand (A>T on the coding strand, the complement: AXIN2 is on the minus strand). VCF-style: chr17-65557986-T-A. GRCh37 (hg19) VCF-style: chr17-63554104-T-A.
Other names: c.635A>T, p.Asn212Ile (NM_001363813.1); short protein forms N212I.
Identifiers: ClinVar variation 1753037 (VCV001753037.2), dbSNP rs368610577, ClinGen allele CA400680599.
Genomic context (GRCh38, chr17:65,557,986, plus strand): 5'-TCTTCTTCATTCAAGGTGGGGAGATAGCCACACACGACCTTTAGGCTCCCGAGTCCCCCA[T>A]TACTCATGTAAGCTGTGTTTTCTCCCCCACTCCTCACATATTCGAGGTATATATCAGAAG-3'
Protein context (NP_004646.3, residues 202-222): SGGENTAYMS[Asn212Ile]GGLGSLKVVC